The following is an entry in ClinVar:

NM_001372044.2(SHANK3):c.2236G>A (p.Asp746Asn)

Gene: SHANK3 (SH3 and multiple ankyrin repeat domains 3; plus strand). Cytogenetic location: 22q13.33.
Variant type: single nucleotide variant.
Coding change: c.2236G>A on transcript NM_001372044.2 (MANE Select); coding-DNA position 2236, G replaced by A.
Protein change: p.Asp746Asn; replaces aspartic acid 746 with asparagine.
Molecular consequence: missense variant.
Genome position (GRCh38, 1-based): chr22:50,705,078, G>A. VCF-style: chr22-50705078-G-A. GRCh37 (hg19) VCF-style: chr22-51143506-G-A.
Other names: c.2011G>A, p.Asp671Asn (NM_033517.1); short protein forms D671N, D746N.
Identifiers: ClinVar variation 1723793 (VCV001723793.3), dbSNP rs911822877, ClinGen allele CA325560768.

ClinVar aggregate classification (germline): Likely benign (1 of 4 stars; one submission).

Allele frequency attached by ClinVar (database versions not stated): gnomAD 0.00001; TOPMed 0.00002; gnomAD exomes 0.00003.

Submission:

GeneDx
Classification: Likely benign. Last evaluated: 2023-12-06. Review status: criteria provided, single submitter. Criteria: GeneDx Variant Classification Process June 2021. Collection method: clinical testing. Allele origin: germline. Affected: yes.
Comment: See Variant Classification Assertion Criteria.